The following is an entry in ClinVar:

NM_017777.4(MKS1):c.1342T>A (p.Phe448Ile)

Gene: MKS1 (MKS transition zone complex subunit 1; minus strand). Cytogenetic location: 17q22.
Variant type: single nucleotide variant.
Coding change: c.1342T>A on transcript NM_017777.4 (MANE Select); coding-DNA position 1342, T replaced by A.
Protein change: p.Phe448Ile; replaces phenylalanine 448 with isoleucine.
Molecular consequence: missense variant. On other transcripts: intron variant (1).
Genome position (GRCh38, 1-based): chr17:58,207,150, A>T on the plus strand (T>A on the coding strand, the complement: MKS1 is on the minus strand). VCF-style: chr17-58207150-A-T. GRCh37 (hg19) VCF-style: chr17-56284511-A-T.
Other names: c.733T>A, p.Phe245Ile (NM_001321268.2); c.1342T>A, p.Phe448Ile (NM_001321269.2); c.1273+744T>A (NM_001330397.2); short protein forms F245I, F448I.
Identifiers: ClinVar variation 4991431 (VCV004991431.1).

ClinVar aggregate classification (germline): Uncertain significance (1 of 4 stars; one submission).

Conditions:
MKS1-related disorder. Also called: MKS1-related disorders; MKS1-related condition. Identifiers: MedGen CN239382.

Submission:

PreventionGenetics, part of Exact Sciences
Classification: Uncertain significance for MKS1-related condition. Last evaluated: 2025-11-07. Review status: criteria provided, single submitter. Criteria: ACMG Guidelines, 2015. Collection method: clinical testing. Allele origin: germline.
Comment: The MKS1 c.1342T>A variant is predicted to result in the amino acid substitution p.Phe448Ile. To our knowledge, this variant has not been reported in the literature or in a large population database (gnomAD), indicating this variant is rare. At this time, the clinical significance of this variant is uncertain due to the absence of conclusive functional and genetic evidence.